The following is an entry in ClinVar:

ClinVar aggregate classification (germline): Uncertain significance. Review status: criteria provided, multiple submitters, no conflicts (2 of 4 stars). 2 submissions from 2 submitters: Uncertain significance (2). Last evaluated 2025-01-21.

Conditions:
Inborn genetic diseases. Identifiers: MedGen C0950123, MeSH D030342.

Allele frequency attached by ClinVar (database versions not stated): gnomAD exomes 0.00001; ExAC 0.00002; gnomAD 0.00003; TOPMed 0.00004.
gnomAD v4.1: 28 of 1,614,116 alleles (0.0017%); highest among the groups gnomAD compares: Middle Eastern, 0.016%; no homozygotes.

Submissions (2):

Ambry Genetics
Classification: Uncertain significance for Inborn genetic diseases. Last evaluated: 2025-01-21. Review status: criteria provided, single submitter. Criteria: Ambry Variant Classification Scheme 2023. Collection method: clinical testing. Allele origin: germline.

Labcorp Genetics (formerly Invitae), Labcorp
Classification: Uncertain significance. Last evaluated: 2024-10-24. Review status: criteria provided, single submitter. Criteria: Invitae Variant Classification Sherloc (09022015). Collection method: clinical testing. Allele origin: germline.
Comment: This sequence change replaces glutamine, which is neutral and polar, with leucine, which is neutral and non-polar, at codon 1480 of the DNAH9 protein (p.Gln1480Leu). This variant is present in population databases (rs777984729, gnomAD 0.003%). This variant has not been reported in the literature in individuals affected with DNAH9-related conditions. ClinVar contains an entry for this variant (Variation ID: 2153443). Invitae Evidence Modeling of protein sequence and biophysical properties (such as structural, functional, and spatial information, amino acid conservation, physicochemical variation, residue mobility, and thermodynamic stability) indicates that this missense variant is not expected to disrupt DNAH9 protein function with a negative predictive value of 80%. In summary, the available evidence is currently insufficient to determine the role of this variant in disease. Therefore, it has been classified as a Variant of Uncertain Significance.

NM_001372.4(DNAH9):c.4439A>T (p.Gln1480Leu)

Gene: DNAH9 (dynein axonemal heavy chain 9; plus strand). Cytogenetic location: 17p12.
Variant type: single nucleotide variant.
Coding change: c.4439A>T on transcript NM_001372.4 (MANE Select); coding-DNA position 4439, A replaced by T.
Protein change: p.Gln1480Leu; replaces glutamine 1480 with leucine.
Molecular consequence: missense variant.
Genome position (GRCh38, 1-based): chr17:11,690,261, A>T. VCF-style: chr17-11690261-A-T. GRCh37 (hg19) VCF-style: chr17-11593578-A-T.
Other names: c.4439A>T (NM_001372.3); short protein forms Q1480L.
Identifiers: ClinVar variation 2153443 (VCV002153443.4), dbSNP rs777984729, ClinGen allele CA8395669.